The following is an entry in ClinVar:

NM_001205293.3(CACNA1E):c.611T>C (p.Ile204Thr)

Gene: CACNA1E (calcium voltage-gated channel subunit alpha1 E; plus strand). Cytogenetic location: 1q25.3.
Variant type: single nucleotide variant.
Coding change: c.611T>C on transcript NM_001205293.3 (MANE Select); coding-DNA position 611, T replaced by C.
Protein change: p.Ile204Thr; replaces isoleucine 204 with threonine.
Molecular consequence: missense variant.
Genome position (GRCh38, 1-based): chr1:181,577,864, T>C. VCF-style: chr1-181577864-T-C. GRCh37 (hg19) VCF-style: chr1-181547000-T-C.
Other names: c.611T>C, p.Ile204Thr (NM_000721.4, NM_001205294.2); short protein forms I204T.
Identifiers: ClinVar variation 2860646 (VCV002860646.3), dbSNP rs2527303900, ClinGen allele CA343846884.
Genomic context (GRCh38, chr1:181,577,864, plus strand): 5'-TGGACCTGAGGACCCTCCGGGCTGTGCGTGTCCTGCGGCCTTTGAAGCTCGTGTCAGGGA[T>C]ACCTAGTGAGCATCTGCCATTCTTTCTGCTCTGCTAAGAACTTTCTTCATGTGTCCTCAG-3'
Protein context (NP_001192222.1, residues 194-214): VLRPLKLVSG[Ile204Thr]PSLQIVLKSI

ClinVar aggregate classification (germline): Uncertain significance (1 of 4 stars; one submission).

Submission:

Labcorp Genetics (formerly Invitae), Labcorp
Classification: Uncertain significance. Last evaluated: 2023-05-12. Review status: criteria provided, single submitter. Criteria: Invitae Variant Classification Sherloc (09022015). Collection method: clinical testing. Allele origin: germline.
Comment: Advanced modeling of protein sequence and biophysical properties (such as structural, functional, and spatial information, amino acid conservation, physicochemical variation, residue mobility, and thermodynamic stability) has been performed at Invitae for this missense variant, however the output from this modeling did not meet the statistical confidence thresholds required to predict the impact of this variant on CACNA1E protein function. In summary, the available evidence is currently insufficient to determine the role of this variant in disease. Therefore, it has been classified as a Variant of Uncertain Significance. This variant has not been reported in the literature in individuals affected with CACNA1E-related conditions. This variant is not present in population databases (gnomAD no frequency). This sequence change replaces isoleucine, which is neutral and non-polar, with threonine, which is neutral and polar, at codon 204 of the CACNA1E protein (p.Ile204Thr).